The following is an entry in ClinVar:

ClinVar aggregate classification (germline): Uncertain significance (1 of 4 stars; one submission).

Submission:

Labcorp Genetics (formerly Invitae), Labcorp
Classification: Uncertain significance. Last evaluated: 2022-06-08. Review status: criteria provided, single submitter. Criteria: Invitae Variant Classification Sherloc (09022015). Collection method: clinical testing. Allele origin: germline.
Comment: This variant results in a copy number gain of the genomic region encompassing exon(s) 24-25 of the SLC12A6 gene. This region includes the termination codon of the gene. This copy number gain extends beyond the assayed region for this gene and therefore may encompass additional genes. As the precise location of this event is unknown, it may be in tandem or it may be located elsewhere in the genome. This variant has not been reported in the literature in individuals affected with SLC12A6-related conditions. In summary, the available evidence is currently insufficient to determine the role of this variant in disease. Therefore, it has been classified as a Variant of Uncertain Significance.

NC_000015.9:g.(?_34526082)_(34527535_?)dup

Gene: SLC12A6 (solute carrier family 12 member 6; minus strand). Cytogenetic location: 15q14.
Variant type: Duplication.
Identifiers: ClinVar variation 2427225 (VCV002427225.4).